The following is an entry in ClinVar:

ClinVar aggregate classification (germline): Uncertain significance (1 of 4 stars; one submission).

Conditions:
Familial cancer of breast. Also called: hereditary breast carcinoma; Hereditary breast cancer; BREAST CANCER, FAMILIAL. Identifiers: Orphanet 227535, MedGen C0346153, MONDO:0016419, OMIM 114480. Disease mechanism: loss of function.

Submission:

Labcorp Genetics (formerly Invitae), Labcorp
Classification: Uncertain significance for Familial cancer of breast. Last evaluated: 2024-01-31. Review status: criteria provided, single submitter. Criteria: Invitae Variant Classification Sherloc (09022015). Collection method: clinical testing. Allele origin: germline.
Comment: This sequence change replaces aspartic acid, which is acidic and polar, with asparagine, which is neutral and polar, at codon 167 of the PALB2 protein (p.Asp167Asn). This variant is not present in population databases (gnomAD no frequency). This variant has not been reported in the literature in individuals affected with PALB2-related conditions. Algorithms developed to predict the effect of missense changes on protein structure and function output the following: SIFT: "Not Available"; PolyPhen-2: "Benign"; Align-GVGD: "Not Available". The asparagine amino acid residue is found in multiple mammalian species, which suggests that this missense change does not adversely affect protein function. In summary, the available evidence is currently insufficient to determine the role of this variant in disease. Therefore, it has been classified as a Variant of Uncertain Significance.

NM_024675.4(PALB2):c.499G>A (p.Asp167Asn)

Gene: PALB2 (partner and localizer of BRCA2; minus strand). Cytogenetic location: 16p12.2.
Variant type: single nucleotide variant.
Coding change: c.499G>A on transcript NM_024675.4 (MANE Select); coding-DNA position 499, G replaced by A.
Protein change: p.Asp167Asn; replaces aspartic acid 167 with asparagine.
Molecular consequence: missense variant. On other transcripts: 5 prime UTR variant (8), intron variant (3).
Genome position (GRCh38, 1-based): chr16:23,636,047, C>T on the plus strand (G>A on the coding strand, the complement: PALB2 is on the minus strand). VCF-style: chr16-23636047-C-T. GRCh37 (hg19) VCF-style: chr16-23647368-C-T.
Other names: c.439G>A, p.Asp147Asn (NM_001407296.1); c.499G>A, p.Asp167Asn (NM_001407297.1, NM_001407298.1, NM_001407299.1 and 3 more transcripts); c.-387G>A (NM_001407304.1, NM_001407305.1, NM_001407306.1 and 5 more transcripts); c.48+5063G>A (NM_001407314.1); c.-105+5063G>A (NM_001407313.1, NM_001407312.1); short protein forms D147N, D167N.
Identifiers: ClinVar variation 2714075 (VCV002714075.3), dbSNP rs2142441963, ClinGen allele CA395137049.
Genomic context (GRCh38, chr16:23,636,047, plus strand): 5'-GATTTTTGCTACTGATTTCTTCCTGTTCCTTTAGTCTTTTCCCAGACAATCTGAGTGAAT[C>T]AGTGCCAAAGACACAGTCTCTCTCCTGTGAAATAAATGTCCTCTTCTGCTGCTTCTTTCT-3'
Protein context (NP_078951.2, residues 157-177): SQERDCVFGT[Asp167Asn]SLRLSGKRLK